The following is an entry in ClinVar:

ClinVar aggregate classification (germline): Uncertain significance (1 of 4 stars; one submission).

gnomAD v4.1: 1 of 1,608,364 alleles (0.000062%); highest among the groups gnomAD compares: East Asian, 0.0022%; no homozygotes.

Submission:

Dasa
Classification: Uncertain significance. Last evaluated: 2024-11-21. Review status: criteria provided, single submitter. Criteria: DASA Assertion Criteria. Collection method: clinical testing. Allele origin: germline.
Comment: NM_017780.4(CHD7):c.8956G>A (p.Gly2986Arg) is a missense variant that results in the substitution of glycine with arginine. This variant is rare in population databases. Computational prediction algorithms are consistent with a benign effect. The currently available literature and clinical evidence are not sufficient to establish a definitive association between this variant and the reported condition. Therefore, this variant is classified as a variant of uncertain significance.

NM_017780.4(CHD7):c.8956G>A (p.Gly2986Arg)

Gene: CHD7 (chromodomain helicase DNA binding protein 7; plus strand). Cytogenetic location: 8q12.2.
Variant type: single nucleotide variant.
Coding change: c.8956G>A on transcript NM_017780.4 (MANE Select); coding-DNA position 8956, G replaced by A.
Protein change: p.Gly2986Arg; replaces glycine 2986 with arginine.
Molecular consequence: missense variant.
Genome position (GRCh38, 1-based): chr8:60,865,895, G>A. VCF-style: chr8-60865895-G-A. GRCh37 (hg19) VCF-style: chr8-61778454-G-A.
Other names: c.2809G>A, p.Gly937Arg (NM_001316690.1); short protein forms G2986R, G937R.
Identifiers: ClinVar variation 4885085 (VCV004885085.2).